The following is an entry in ClinVar:

NM_001042492.3(NF1):c.341T>C (p.Leu114Pro)

Gene: NF1 (neurofibromin 1; plus strand). Cytogenetic location: 17q11.2.
Variant type: single nucleotide variant.
Coding change: c.341T>C on transcript NM_001042492.3 (MANE Select); coding-DNA position 341, T replaced by C.
Protein change: p.Leu114Pro; replaces leucine 114 with proline.
Molecular consequence: missense variant.
Genome position (GRCh38, 1-based): chr17:31,163,238, T>C. VCF-style: chr17-31163238-T-C. GRCh37 (hg19) VCF-style: chr17-29490256-T-C.
Other names: c.341T>C, p.Leu114Pro (NM_000267.4, NM_001128147.3); short protein forms L114P.
Identifiers: ClinVar variation 1709461 (VCV001709461.2), dbSNP rs2143671371, ClinGen allele CA398981742.

ClinVar aggregate classification (germline): Uncertain significance (1 of 4 stars; one submission).

Conditions:
Neurofibromatosis, type 1 (NF1). Also called: Peripheral type neurofibromatosis; VON RECKLINGHAUSEN DISEASE; NEUROFIBROMATOSIS, TYPE I, SOMATIC; Neurofibromatosis, type I. Identifiers: Orphanet 636, MedGen C0027831, MONDO:0018975, OMIM 162200. Disease mechanism: loss of function.

Submission:

MGZ Medical Genetics Center
Classification: Uncertain significance for Neurofibromatosis, type 1. Last evaluated: 2022-05-02. Review status: criteria provided, single submitter. Criteria: ACMG Guidelines, 2015. Collection method: clinical testing. Allele origin: germline. Affected: yes. Observed: 1 variant allele.
Comment: ACMG criteria applied: PM2_SUP, PP2, PP3